The following is an entry in ClinVar:

ClinVar aggregate classification (germline): Uncertain significance (1 of 4 stars; one submission).

Submission:

Labcorp Genetics (formerly Invitae), Labcorp
Classification: Uncertain significance. Last evaluated: 2023-08-30. Review status: criteria provided, single submitter. Criteria: Invitae Variant Classification Sherloc (09022015). Collection method: clinical testing. Allele origin: germline.
Comment: This sequence change creates a premature translational stop signal (p.Pro1473Argfs*107) in the APC2 gene. While this is not anticipated to result in nonsense mediated decay, it is expected to disrupt the last 831 amino acid(s) of the APC2 protein. This variant is not present in population databases (gnomAD no frequency). This variant has not been reported in the literature in individuals affected with APC2-related conditions. ClinVar contains an entry for this variant (Variation ID: 1996029). Experimental studies and prediction algorithms are not available or were not evaluated, and the functional significance of this variant is currently unknown. In summary, the available evidence is currently insufficient to determine the role of this variant in disease. Therefore, it has been classified as a Variant of Uncertain Significance.

NM_005883.3(APC2):c.4413del (p.Pro1473fs)

Gene: APC2 (APC regulator of Wnt signaling pathway 2; plus strand). Cytogenetic location: 19p13.3.
Variant type: Deletion.
Coding change: c.4413del on transcript NM_005883.3 (MANE Select); coding-DNA position 4413, one base deleted (G; older notation c.4413delG).
Protein change: p.Pro1473fs; shifts the reading frame from proline 1473.
Molecular consequence: frameshift variant.
Genome position (GRCh38, 1-based): chr19:1,467,714, G deleted; the last of 2 consecutive G bases (chr19:1,467,713-1,467,714); deleting either gives the same sequence. VCF-style (leftmost placement, unchanged base first): chr19-1467712-CG-C. GRCh37 (hg19) VCF-style: chr19-1467711-CG-C.
Other names: c.4410del, p.Pro1472fs (NM_001351273.1); short protein forms P1472fs, P1473fs.
Identifiers: ClinVar variation 1996029 (VCV001996029.4), dbSNP rs2512531706, ClinGen allele CA2580096093.
Genomic context (GRCh38, chr19:1,467,712, plus strand): 5'-AGCGCGGAGCAGTCTCGGGGCGCGGGCAAGAACAGAGCAGGGCTGGAGCTGCCCCTGGGC[CG>C]GCCCCCGAGCGCCCCCGCAGACAAGGACGGCTCAAAGCCCGGCCGGACCCGCGGGGACGG-3'